The following is an entry in ClinVar:

ClinVar aggregate classification (germline): Uncertain significance (1 of 4 stars; one submission).

Conditions:
Hereditary cancer-predisposing syndrome. Also called: Neoplastic Syndromes, Hereditary; Tumor predisposition; Hereditary neoplastic syndrome; Hereditary Cancer Syndrome. Identifiers: Orphanet 140162, MedGen C0027672, MeSH D009386, MONDO:0015356.

Submission:

Ambry Genetics
Classification: Uncertain significance for Hereditary cancer-predisposing syndrome. Last evaluated: 2017-12-29. Review status: criteria provided, single submitter. Criteria: Ambry Variant Classification Scheme 2023. Collection method: clinical testing. Allele origin: germline.
Comment: The p.P224R variant (also known as c.671C>G), located in coding exon 4 of the PALB2 gene, results from a C to G substitution at nucleotide position 671. The proline at codon 224 is replaced by arginine, an amino acid with dissimilar properties. This amino acid position is poorly conserved in available vertebrate species. In addition, this alteration is predicted to be tolerated by in silico analysis. Since supporting evidence is limited at this time, the clinical significance of this alteration remains unclear.

NM_024675.4(PALB2):c.671C>G (p.Pro224Arg)

Gene: PALB2 (partner and localizer of BRCA2; minus strand). Cytogenetic location: 16p12.2.
Variant type: single nucleotide variant.
Coding change: c.671C>G on transcript NM_024675.4 (MANE Select); coding-DNA position 671, C replaced by G.
Protein change: p.Pro224Arg; replaces proline 224 with arginine.
Molecular consequence: missense variant.
Genome position (GRCh38, 1-based): chr16:23,635,875, G>C on the plus strand (C>G on the coding strand, the complement: PALB2 is on the minus strand). VCF-style: chr16-23635875-G-C. GRCh37 (hg19) VCF-style: chr16-23647196-G-C.
Other names: short protein forms P224R.
Identifiers: ClinVar variation 826575 (VCV000826575.4), dbSNP rs1597098606, ClinGen allele CA395136441.